The following is an entry in ClinVar:

NM_001272071.2(AP1S2):c.203G>A (p.Cys68Tyr)

Gene: AP1S2 (adaptor related protein complex 1 subunit sigma 2; minus strand). Cytogenetic location: Xp22.2.
Variant type: single nucleotide variant.
Coding change: c.203G>A on transcript NM_001272071.2 (MANE Select); coding-DNA position 203, G replaced by A.
Protein change: p.Cys68Tyr; replaces cysteine 68 with tyrosine.
Molecular consequence: missense variant. On other transcripts: non-coding transcript variant (2).
Genome position (GRCh38, 1-based): chrX:15,845,988, C>T on the plus strand (G>A on the coding strand, the complement: AP1S2 is on the minus strand). VCF-style: chrX-15845988-C-T. GRCh37 (hg19) VCF-style: chrX-15864111-C-T.
Other names: c.203G>A, p.Cys68Tyr (NM_001368994.1, NM_001369007.1, NM_001369008.1 and 1 more transcripts); short protein forms C68Y.
Identifiers: ClinVar variation 3770120 (VCV003770120.1).

ClinVar aggregate classification (germline): Uncertain significance (1 of 4 stars; one submission).

Submission:

GeneDx
Classification: Uncertain significance. Last evaluated: 2024-09-11. Review status: criteria provided, single submitter. Criteria: GeneDx Variant Classification Process June 2021. Collection method: clinical testing. Allele origin: germline. Affected: yes.
Comment: Not observed at significant frequency in large population cohorts (gnomAD); In silico analysis supports that this missense variant has a deleterious effect on protein structure/function; Has not been previously published as pathogenic or benign to our knowledge